The following is an entry in ClinVar:

ClinVar aggregate classification (germline): Conflicting classifications of pathogenicity. Review status: criteria provided, conflicting classifications (1 of 4 stars). 4 submissions from 4 submitters: Uncertain significance (1); Likely benign (2). 1 of the submissions does not count toward it. Last evaluated 2025-02-01.

Conditions:
DNAH17-related disorder. Also called: DNAH17-related condition.
Inborn genetic diseases. Identifiers: MedGen C0950123, MeSH D030342.

Allele frequency attached by ClinVar (database versions not stated): 1000 Genomes Project 0.00020; 1000 Genomes Project 30x 0.00031; ESP Exome Variant Server 0.00098; TOPMed 0.00111; gnomAD exomes 0.00157; gnomAD 0.00200; ExAC 0.00220.
gnomAD v4.1: 2,572 of 1,592,916 alleles (0.16%); highest among the groups gnomAD compares: Non-Finnish European, 0.17%; 9 homozygotes.

Submissions (4):

CeGaT Center for Human Genetics Tuebingen
Classification: Likely benign. Last evaluated: 2025-02-01. Review status: criteria provided, single submitter. Criteria: CeGaT Center For Human Genetics Tuebingen Variant Classification Criteria Version 2. Collection method: clinical testing. Allele origin: germline. Affected: yes. Observed: 3 variant alleles.
Comment: DNAH17: BP4, BS2

Blueprint Genetics
Classification: Likely benign. Last evaluated: 2024-11-27. Review status: criteria provided, single submitter. Criteria: ACMG Guidelines, 2015. Collection method: clinical testing. Allele origin: germline.

Ambry Genetics
Classification: Uncertain significance for Inborn genetic diseases. Last evaluated: 2024-03-15. Review status: criteria provided, single submitter. Criteria: Ambry Variant Classification Scheme 2023. Collection method: clinical testing. Allele origin: germline.

PreventionGenetics, part of Exact Sciences
Classification: Benign for DNAH17-related condition. Last evaluated: 2019-06-13. Review status: no assertion criteria provided. Collection method: clinical testing. Allele origin: germline. Not counted in ClinVar's aggregate classification.
Comment: This variant is classified as benign based on ACMG/AMP sequence variant interpretation guidelines (Richards et al. 2015 PMID: 25741868, with internal and published modifications).

NM_173628.4(DNAH17):c.2879C>G (p.Thr960Arg)

Genes: DNAH17 (dynein axonemal heavy chain 17; minus strand), LOC126862656 (MED14-independent group 3 enhancer GRCh37_chr17:76528450-76529649; plus strand). Cytogenetic location: 17q25.3.
Variant type: single nucleotide variant.
Coding change: c.2879C>G on transcript NM_173628.4 (MANE Select); coding-DNA position 2879, C replaced by G.
Protein change: p.Thr960Arg; replaces threonine 960 with arginine.
Molecular consequence: missense variant.
Genome position (GRCh38, 1-based): chr17:78,532,717, G>C on the plus strand (C>G on the coding strand, the complement: DNAH17 is on the minus strand). VCF-style: chr17-78532717-G-C. GRCh37 (hg19) VCF-style: chr17-76528799-G-C.
Other names: short protein forms T960R.
Identifiers: ClinVar variation 2396847 (VCV002396847.29), dbSNP rs201593974, ClinGen allele CA8804441.